The following is an entry in ClinVar:

ClinVar aggregate classification (germline): Uncertain significance. Review status: criteria provided, multiple submitters, no conflicts (2 of 4 stars). 2 submissions from 2 submitters: Uncertain significance (2). Last evaluated 2025-06-10.

Conditions:
Primary ciliary dyskinesia 28. Also called: CILIARY DYSKINESIA, PRIMARY, 28, WITH OR WITHOUT SITUS INVERSUS. Identifiers: Orphanet 244, MedGen C3809706, MONDO:0014216, OMIM 615505.
Primary ciliary dyskinesia. Also called: Ciliary dyskinesia. Identifiers: Orphanet 244, MedGen C0008780, MONDO:0016575, HP:0012265.

Allele frequency attached by ClinVar (database versions not stated): gnomAD exomes 0.00003 and 0.00006; ExAC 0.00006; gnomAD 0.00021 and 0.00022; TOPMed 0.00022; 1000 Genomes Project 0.00040; 1000 Genomes Project 30x 0.00047.
gnomAD v4.1: 79 of 1,612,556 alleles (0.0049%); highest among the groups gnomAD compares: African/African-American, 0.055%; no homozygotes.

Submissions (2):

Ambry Genetics
Classification: Uncertain significance for Primary ciliary dyskinesia. Last evaluated: 2025-06-10. Review status: criteria provided, single submitter. Criteria: Ambry Variant Classification Scheme 2023. Collection method: clinical testing. Allele origin: germline.

Labcorp Genetics (formerly Invitae), Labcorp
Classification: Uncertain significance for Primary ciliary dyskinesia 28. Last evaluated: 2024-10-25. Review status: criteria provided, single submitter. Criteria: Invitae Variant Classification Sherloc (09022015). Collection method: clinical testing. Allele origin: germline.
Comment: This sequence change replaces arginine, which is basic and polar, with histidine, which is basic and polar, at codon 282 of the SPAG1 protein (p.Arg282His). This variant is present in population databases (rs144608097, gnomAD 0.07%). This variant has not been reported in the literature in individuals affected with SPAG1-related conditions. ClinVar contains an entry for this variant (Variation ID: 966508). Invitae Evidence Modeling of protein sequence and biophysical properties (such as structural, functional, and spatial information, amino acid conservation, physicochemical variation, residue mobility, and thermodynamic stability) has been performed for this missense variant. However, the output from this modeling did not meet the statistical confidence thresholds required to predict the impact of this variant on SPAG1 protein function. In summary, the available evidence is currently insufficient to determine the role of this variant in disease. Therefore, it has been classified as a Variant of Uncertain Significance.

NM_003114.5(SPAG1):c.845G>A (p.Arg282His)

Gene: SPAG1 (sperm associated antigen 1; plus strand). Cytogenetic location: 8q22.2.
Variant type: single nucleotide variant.
Coding change: c.845G>A on transcript NM_003114.5 (MANE Select); coding-DNA position 845, G replaced by A.
Protein change: p.Arg282His; replaces arginine 282 with histidine.
Molecular consequence: missense variant.
Genome position (GRCh38, 1-based): chr8:100,191,402, G>A. VCF-style: chr8-100191402-G-A. GRCh37 (hg19) VCF-style: chr8-101203630-G-A.
Other names: c.845G>A, p.Arg282His (NM_001374321.1, NM_172218.3); short protein forms R282H.
Identifiers: ClinVar variation 966508 (VCV000966508.9), dbSNP rs144608097, ClinGen allele CA4827383.